The following is an entry in ClinVar:

NM_001379500.1(COL18A1):c.2158-8G>A

Gene: COL18A1 (collagen type XVIII alpha 1 chain; plus strand). Cytogenetic location: 21q22.3.
Variant type: single nucleotide variant.
Coding change: c.2158-8G>A on transcript NM_001379500.1 (MANE Select); 8 bases into the intron before coding-DNA position 2158, G replaced by A.
Molecular consequence: intron variant.
Genome position (GRCh38, 1-based): chr21:45,492,527, G>A. VCF-style: chr21-45492527-G-A. GRCh37 (hg19) VCF-style: chr21-46912441-G-A.
Other names: c.3403-8G>A (NM_130444.3); c.2698-8G>A (NM_030582.4, NM_030582.3).
Identifiers: ClinVar variation 1556956 (VCV001556956.9), dbSNP rs763012413, ClinGen allele CA10066862.

ClinVar aggregate classification (germline): Likely benign. Review status: criteria provided, multiple submitters, no conflicts (2 of 4 stars). 2 submissions from 2 submitters: Likely benign (2). Last evaluated 2026-07-02.

Conditions:
COL18A1-related disorder. Also called: COL18A1-related condition; COL18A1-related disorders.

Allele frequency attached by ClinVar (database versions not stated): ExAC 0.00003; gnomAD 0.00003 and 0.00004; gnomAD exomes 0.00003; TOPMed 0.00005.
gnomAD v4.1: 54 of 1,613,414 alleles (0.0033%); highest among the groups gnomAD compares: Non-Finnish European, 0.004%; no homozygotes.

Submissions (2):

PreventionGenetics, part of Exact Sciences
Classification: Likely benign for COL18A1-related condition. Last evaluated: 2026-07-02. Review status: criteria provided, single submitter. Criteria: ACMG Guidelines, 2015. Collection method: clinical testing. Allele origin: germline.
Comment: This variant is classified as likely benign based on ACMG/AMP sequence variant interpretation guidelines (Richards et al. 2015 PMID: 25741868, with internal and published modifications).

Labcorp Genetics (formerly Invitae), Labcorp
Classification: Likely benign. Last evaluated: 2025-12-03. Review status: criteria provided, single submitter. Criteria: Invitae Variant Classification Sherloc (09022015). Collection method: clinical testing. Allele origin: germline.